The following is an entry in ClinVar:

ClinVar aggregate classification (germline): Pathogenic/Likely pathogenic. Review status: criteria provided, multiple submitters, no conflicts (2 of 4 stars). 4 submissions from 4 submitters: Pathogenic (3); Likely pathogenic (1). Last evaluated 2026-03-11.

Conditions:
Hereditary cancer-predisposing syndrome. Also called: Neoplastic Syndromes, Hereditary; Tumor predisposition; Hereditary Cancer Syndrome; Hereditary neoplastic syndrome. Identifiers: Orphanet 140162, MedGen C0027672, MeSH D009386, MONDO:0015356.
Familial adenomatous polyposis 3. Also called: NTHL1-Related Adenomatous Polyposis and Colorectal Cancer; NTHL1-related attenuated familial adenomatous polyposis; NTHL1 Tumor Syndrome; NTHL1-associated polyposis. Identifiers: Orphanet 220460, Orphanet 454840, MedGen C4225157, MONDO:0014630, OMIM 616415.

Allele frequency attached by ClinVar (database versions not stated): gnomAD exomes below 0.00001; TOPMed below 0.00001; gnomAD 0.00001.
gnomAD v4.1: 2 of 1,612,328 alleles (0.00012%); highest among the groups gnomAD compares: Non-Finnish European, 0.00017%; no homozygotes.

Submissions (4):

Ambry Genetics
Classification: Pathogenic for Hereditary cancer-predisposing syndrome. Last evaluated: 2026-03-11. Review status: criteria provided, single submitter. Criteria: Ambry Variant Classification Scheme 2023. Collection method: clinical testing. Allele origin: germline.
Comment: The p.W275* pathogenic mutation (also known as c.824G>A), located in coding exon 6 of the NTHL1 gene, results from a G to A substitution at nucleotide position 824. This changes the amino acid from a tryptophan to a stop codon within coding exon 6. This variant occurs at the 3' terminus of the gene, is not expected to trigger nonsense-mediated mRNA decay, and impacts the last 12% of the protein. However, premature stop codons are typically deleterious in nature and the impacted region is critical for protein function (Ambry internal data). This variant is considered to be rare based on population cohorts in the Genome Aggregation Database (gnomAD). Based on the supporting evidence, this variant is interpreted as a disease-causing mutation.

Myriad Genetics, Inc.
Classification: Pathogenic for Familial adenomatous polyposis 3. Last evaluated: 2025-05-20. Review status: criteria provided, single submitter. Criteria: Myriad Autosomal Dominant, Autosomal Recessive and X-Linked Classification Criteria (2023). Collection method: clinical testing. Allele origin: unknown.
Comment: This variant is considered pathogenic. This variant creates a termination codon and is predicted to result in premature protein truncation.

Baylor Genetics
Classification: Likely pathogenic for Familial adenomatous polyposis 3. Last evaluated: 2023-12-11. Review status: criteria provided, single submitter. Criteria: ACMG Guidelines, 2015. Collection method: clinical testing. Allele origin: unknown.

Labcorp Genetics (formerly Invitae), Labcorp
Classification: Pathogenic. Last evaluated: 2023-08-10. Review status: criteria provided, single submitter. Criteria: Invitae Variant Classification Sherloc (09022015). Collection method: clinical testing. Allele origin: germline.
Comment: For these reasons, this variant has been classified as Pathogenic. This variant disrupts a region of the NTHL1 protein in which other variant(s) (p.Gln287*) have been determined to be pathogenic (PMID: 27329137, 28912133, 30753826; Invitae). This suggests that this is a clinically significant region of the protein, and that variants that disrupt it are likely to be disease-causing. ClinVar contains an entry for this variant (Variation ID: 2194859). This variant has not been reported in the literature in individuals affected with NTHL1-related conditions. This variant is not present in population databases (gnomAD no frequency). This sequence change creates a premature translational stop signal (p.Trp275*) in the NTHL1 gene. While this is not anticipated to result in nonsense mediated decay, it is expected to disrupt the last 38 amino acid(s) of the NTHL1 protein.

Literature cited by the submitters: PubMed 27329137 (cited by Labcorp Genetics (formerly Invitae), Labcorp); PubMed 28912133 (cited by Labcorp Genetics (formerly Invitae), Labcorp); PubMed 30753826 (cited by Labcorp Genetics (formerly Invitae), Labcorp).

NM_002528.7(NTHL1):c.800G>A (p.Trp267Ter)

Gene: NTHL1 (nth like DNA glycosylase 1; minus strand). Cytogenetic location: 16p13.3.
Variant type: single nucleotide variant.
Coding change: c.800G>A on transcript NM_002528.7 (MANE Select); coding-DNA position 800, G replaced by A.
Protein change: p.Trp267Ter; replaces tryptophan 267 with a stop codon.
Molecular consequence: nonsense.
Genome position (GRCh38, 1-based): chr16:2,040,039, C>T on the plus strand (G>A on the coding strand, the complement: NTHL1 is on the minus strand). VCF-style: chr16-2040039-C-T. GRCh37 (hg19) VCF-style: chr16-2090040-C-T.
Other names: c.629G>A, p.Trp210Ter (NM_001318193.2); c.470G>A, p.Trp157Ter (NM_001318194.2); c.824G>A (NM_002528.5); short protein forms W157*, W267*, W210*.
Identifiers: ClinVar variation 2194859 (VCV002194859.7), dbSNP rs1176002553, ClinGen allele CA394287589.